The following is an entry in ClinVar:

NM_019066.5(MAGEL2):c.2362A>G (p.Ser788Gly)

Gene: MAGEL2 (MAGE family member L2; minus strand). Cytogenetic location: 15q11.2.
Variant type: single nucleotide variant.
Coding change: c.2362A>G on transcript NM_019066.5 (MANE Select); coding-DNA position 2362, A replaced by G.
Protein change: p.Ser788Gly; replaces serine 788 with glycine.
Molecular consequence: missense variant.
Genome position (GRCh38, 1-based): chr15:23,645,381, T>C on the plus strand (A>G on the coding strand, the complement: MAGEL2 is on the minus strand). VCF-style: chr15-23645381-T-C. GRCh37 (hg19) VCF-style: chr15-23890528-T-C.
Other names: short protein forms S788G.
Identifiers: ClinVar variation 3713501 (VCV003713501.4).

ClinVar aggregate classification (germline): Uncertain significance. Review status: criteria provided, multiple submitters, no conflicts (2 of 4 stars). 2 submissions from 2 submitters: Uncertain significance (2). Last evaluated 2026-02-20.

Conditions:
Schaaf-Yang syndrome (SHFYNG). Also called: MAGEL2-related Prader-Willi-like syndrome; Arthrogryposis, distal, with hypopituitarism, intellectual disability, and facial anomalies. Identifiers: Orphanet 398069, MedGen C5575066, MONDO:0014243, OMIM 615547.

gnomAD v4.1: 2 of 1,613,754 alleles (0.00012%); highest among the groups gnomAD compares: Admixed American, 0.0017%; no homozygotes.

Submissions (2):

Dasa
Classification: Uncertain significance for Schaaf-Yang syndrome. Last evaluated: 2026-02-20. Review status: criteria provided, single submitter. Criteria: DASA Assertion Criteria. Collection method: clinical testing. Allele origin: germline.
Comment: NM_019066.5(MAGEL2):c.2362A>G (p.Ser788Gly) is a missense variant that results in the substitution of serine with glycine. This variant is rare in population databases. The currently available literature and clinical evidence are not sufficient to establish a definitive association between this variant and the reported condition. Therefore, this variant is classified as a variant of uncertain significance.

Labcorp Genetics (formerly Invitae), Labcorp
Classification: Uncertain significance. Last evaluated: 2024-02-22. Review status: criteria provided, single submitter. Criteria: Invitae Variant Classification Sherloc (09022015). Collection method: clinical testing. Allele origin: germline.
Comment: This sequence change replaces serine, which is neutral and polar, with glycine, which is neutral and non-polar, at codon 788 of the MAGEL2 protein (p.Ser788Gly). This variant is not present in population databases (gnomAD no frequency). This variant has not been reported in the literature in individuals affected with MAGEL2-related conditions. Advanced modeling of protein sequence and biophysical properties (such as structural, functional, and spatial information, amino acid conservation, physicochemical variation, residue mobility, and thermodynamic stability) performed at Invitae indicates that this missense variant is not expected to disrupt MAGEL2 protein function with a negative predictive value of 80%. In summary, the available evidence is currently insufficient to determine the role of this variant in disease. Therefore, it has been classified as a Variant of Uncertain Significance.